The following is an entry in ClinVar:

NM_153006.3(NAGS):c.125G>T (p.Gly42Val)

Gene: NAGS (N-acetylglutamate synthase; plus strand). Cytogenetic location: 17q21.31.
Variant type: single nucleotide variant.
Coding change: c.125G>T on transcript NM_153006.3 (MANE Select); coding-DNA position 125, G replaced by T.
Protein change: p.Gly42Val; replaces glycine 42 with valine.
Molecular consequence: missense variant.
Genome position (GRCh38, 1-based): chr17:44,004,788, G>T. VCF-style: chr17-44004788-G-T. GRCh37 (hg19) VCF-style: chr17-42082156-G-T.
Other names: short protein forms G42V.
Identifiers: ClinVar variation 2155685 (VCV002155685.1), dbSNP rs1430549987, ClinGen allele CA399736855.

ClinVar aggregate classification (germline): Uncertain significance (1 of 4 stars; one submission).

Conditions:
Hyperammonemia, type III (NAGSD). Also called: Hyperammonemia due to N-acetylglutamate synthase deficiency. Identifiers: Orphanet 927, MedGen C0268543, MONDO:0009377, OMIM 237310.

gnomAD v4.1: 2 of 1,366,868 alleles (0.00015%); highest among the groups gnomAD compares: East Asian, 0.0059%; no homozygotes.

Submission:

Labcorp Genetics (formerly Invitae), Labcorp
Classification: Uncertain significance for Hyperammonemia, type III. Last evaluated: 2022-01-19. Review status: criteria provided, single submitter. Criteria: Invitae Variant Classification Sherloc (09022015). Collection method: clinical testing. Allele origin: germline.
Comment: This sequence change replaces glycine, which is neutral and non-polar, with valine, which is neutral and non-polar, at codon 42 of the NAGS protein (p.Gly42Val). This variant is present in population databases (no rsID available, gnomAD 0.06%). This variant has not been reported in the literature in individuals affected with NAGS-related conditions. Algorithms developed to predict the effect of missense changes on protein structure and function (SIFT, PolyPhen-2, Align-GVGD) all suggest that this variant is likely to be tolerated. In summary, the available evidence is currently insufficient to determine the role of this variant in disease. Therefore, it has been classified as a Variant of Uncertain Significance.